The following is an entry in ClinVar:

NM_001042413.2(GLIS3):c.52C>T (p.Gln18Ter)

Gene: GLIS3 (GLIS family zinc finger 3; minus strand). Cytogenetic location: 9p24.2.
Variant type: single nucleotide variant.
Coding change: c.52C>T on transcript NM_001042413.2 (MANE Select); coding-DNA position 52, C replaced by T.
Protein change: p.Gln18Ter; replaces glutamine 18 with a stop codon.
Molecular consequence: nonsense. On other transcripts: 5 prime UTR variant (2), intron variant (3).
Genome position (GRCh38, 1-based): chr9:4,286,374, G>A on the plus strand (C>T on the coding strand, the complement: GLIS3 is on the minus strand). VCF-style: chr9-4286374-G-A. GRCh37 (hg19) VCF-style: chr9-4286374-G-A.
Other names: c.52C>T, p.Gln18Ter (NM_001438906.1, NM_001438907.1, NM_001438908.1 and 2 more transcripts); c.-407C>T (NM_001438911.1, NM_001438916.1); c.-71+13047C>T (NM_001438912.1); c.-78+13047C>T (NM_001438909.1, NM_001438915.1); short protein forms Q18*.
Identifiers: ClinVar variation 4885082 (VCV004885082.2).

ClinVar aggregate classification (germline): Likely pathogenic (1 of 4 stars; one submission).

gnomAD v4.1: 14 of 1,614,096 alleles (0.00087%); highest among the groups gnomAD compares: Admixed American, 0.005%; no homozygotes.

Submission:

Dasa
Classification: Likely pathogenic. Last evaluated: 2025-08-06. Review status: criteria provided, single submitter. Criteria: DASA Assertion Criteria. Collection method: clinical testing. Allele origin: germline.
Comment: NM_001042413.2(GLIS3):c.52C>T (p.Gln18*) is a nonsense variant in GLIS3 predicted to introduce a premature termination codon and is predicted to result in an absent or altered protein product. Loss of function is an established disease mechanism for GLIS3-associated disorders. Also, this variant is rare in population databases. Based on the currently available evidence, this variant is classified as likely pathogenic.